The following is an entry in ClinVar:

ClinVar aggregate classification (germline): Uncertain significance. Review status: criteria provided, multiple submitters, no conflicts (2 of 4 stars). 2 submissions from 2 submitters: Uncertain significance (2). Last evaluated 2022-03-12.

Conditions:
Alstrom syndrome (ALMS). Identifiers: Orphanet 64, MedGen C0268425, MONDO:0008763, OMIM 203800.

Submissions (2):

Labcorp Genetics (formerly Invitae), Labcorp
Classification: Uncertain significance for Alstrom syndrome. Last evaluated: 2022-03-12. Review status: criteria provided, single submitter. Criteria: Invitae Variant Classification Sherloc (09022015). Collection method: clinical testing. Allele origin: germline.
Comment: This variant, c.53_54insAGAGGA, results in the insertion of 2 amino acid(s) of the ALMS1 protein (p.Glu28_Glu29dup), but otherwise preserves the integrity of the reading frame. The frequency data for this variant in the population databases is considered unreliable, as metrics indicate poor data quality at this position in the gnomAD database. This variant has not been reported in the literature in individuals affected with ALMS1-related conditions. Experimental studies and prediction algorithms are not available or were not evaluated, and the functional significance of this variant is currently unknown. In summary, the available evidence is currently insufficient to determine the role of this variant in disease. Therefore, it has been classified as a Variant of Uncertain Significance.

Fulgent Genetics
Classification: Uncertain significance for Alstrom syndrome. Last evaluated: 2021-08-05. Review status: criteria provided, single submitter. Criteria: ACMG Guidelines, 2015. Collection method: clinical testing. Allele origin: unknown.

NM_001378454.1(ALMS1):c.50_51insAGAGGA (p.Glu27_Glu28dup)

Gene: ALMS1 (ALMS1 centrosome and basal body associated protein; plus strand). Cytogenetic location: 2p13.1.
Variant type: Insertion.
Coding change: c.50_51insAGAGGA on transcript NM_001378454.1 (MANE Select); coding-DNA positions 50 to 51, AGAGGA inserted.
Protein change: p.Glu27_Glu28dup.
Molecular consequence: inframe insertion.
Genome position: GRCh38 VCF-style: chr2-73385913-G-GGAGGAA. GRCh37 (hg19) VCF-style: chr2-73613041-G-GGAGGAA.
Other names: c.53_54insAGAGGA, p.Glu28_Glu29dup (NM_015120.4).
Identifiers: ClinVar variation 1386743 (VCV001386743.4), dbSNP rs1491245339, ClinGen allele CA534125545.